The following is an entry in ClinVar:

NM_031308.4(EPPK1):c.2316G>A (p.Thr772=)

Gene: EPPK1 (epiplakin 1; minus strand). Cytogenetic location: 8q24.3.
Variant type: single nucleotide variant.
Coding change: c.2316G>A on transcript NM_031308.4 (MANE Select); coding-DNA position 2316, G replaced by A.
Protein change: p.Thr772=; no amino-acid change (threonine 772 retained).
Molecular consequence: synonymous variant.
Genome position (GRCh38, 1-based): chr8:143,870,938, C>T on the plus strand (G>A on the coding strand, the complement: EPPK1 is on the minus strand). VCF-style: chr8-143870938-C-T. GRCh37 (hg19) VCF-style: chr8-144945106-C-T.
Identifiers: ClinVar variation 4985630 (VCV004985630.1).

ClinVar aggregate classification (germline): Likely benign (1 of 4 stars; one submission).

Conditions:
EPPK1-related disorder. Also called: EPPK1-related condition.

gnomAD v4.1: 15 of 1,613,468 alleles (0.00093%); highest among the groups gnomAD compares: East Asian, 0.011%; no homozygotes.

Submission:

PreventionGenetics, part of Exact Sciences
Classification: Likely benign for EPPK1-related condition. Last evaluated: 2026-02-09. Review status: criteria provided, single submitter. Criteria: ACMG Guidelines, 2015. Collection method: clinical testing. Allele origin: germline.
Comment: This variant is classified as likely benign based on ACMG/AMP sequence variant interpretation guidelines (Richards et al. 2015 PMID: 25741868, with internal and published modifications).